The following is an entry in ClinVar:

ClinVar aggregate classification (germline): Uncertain significance (1 of 4 stars; one submission).

Conditions:
ROBO3-related disorder. Also called: ROBO3-related condition.

gnomAD v4.1: 20 of 1,552,328 alleles (0.0013%); highest among the groups gnomAD compares: South Asian, 0.0059%; no homozygotes.

Submission:

PreventionGenetics, part of Exact Sciences
Classification: Uncertain significance for ROBO3-related condition. Last evaluated: 2024-11-12. Review status: criteria provided, single submitter. Criteria: ACMG Guidelines, 2015. Collection method: clinical testing. Allele origin: germline.
Comment: The ROBO3 c.4112G>A variant is predicted to result in the amino acid substitution p.Arg1371Gln. To our knowledge, this variant has not been reported in the literature. This variant is reported in 0.0090% of alleles in individuals of East Asian descent in gnomAD. At this time, the clinical significance of this variant is uncertain due to the absence of conclusive functional and genetic evidence.

NM_022370.4(ROBO3):c.4112G>A (p.Arg1371Gln)

Gene: ROBO3 (roundabout guidance receptor 3; plus strand). Cytogenetic location: 11q24.2.
Variant type: single nucleotide variant.
Coding change: c.4112G>A on transcript NM_022370.4 (MANE Select); coding-DNA position 4112, G replaced by A.
Protein change: p.Arg1371Gln; replaces arginine 1371 with glutamine.
Molecular consequence: missense variant. On other transcripts: non-coding transcript variant (7).
Genome position (GRCh38, 1-based): chr11:124,880,571, G>A. VCF-style: chr11-124880571-G-A. GRCh37 (hg19) VCF-style: chr11-124750467-G-A.
Other names: c.1259G>A, p.Arg420Gln (NM_001370356.1, NM_001370357.1, NM_001370358.1 and 2 more transcripts); c.1064G>A, p.Arg355Gln (NM_001370364.1, NM_001370366.1); short protein forms R1371Q, R355Q, R420Q.
Identifiers: ClinVar variation 4989627 (VCV004989627.1).